The following is an entry in ClinVar:

ClinVar aggregate classification (germline): Uncertain significance. Review status: criteria provided, multiple submitters, no conflicts (2 of 4 stars). 2 submissions from 2 submitters: Uncertain significance (2). Last evaluated 2023-05-13.

Conditions:
Dyskeratosis congenita. Identifiers: Orphanet 1775, MedGen C0265965, MONDO:0015780.
Inborn genetic diseases. Identifiers: MedGen C0950123, MeSH D030342.

Allele frequency attached by ClinVar (database versions not stated): gnomAD exomes below 0.00001; TOPMed below 0.00001; gnomAD 0.00001.

Submissions (2):

Labcorp Genetics (formerly Invitae), Labcorp
Classification: Uncertain significance for Dyskeratosis congenita. Last evaluated: 2023-05-13. Review status: criteria provided, single submitter. Criteria: Invitae Variant Classification Sherloc (09022015). Collection method: clinical testing. Allele origin: germline.
Comment: Advanced modeling of protein sequence and biophysical properties (such as structural, functional, and spatial information, amino acid conservation, physicochemical variation, residue mobility, and thermodynamic stability) performed at Invitae indicates that this missense variant is not expected to disrupt CTC1 protein function. ClinVar contains an entry for this variant (Variation ID: 2229516). This variant has not been reported in the literature in individuals affected with CTC1-related conditions. This variant is present in population databases (no rsID available, gnomAD 0.003%). This sequence change replaces proline, which is neutral and non-polar, with serine, which is neutral and polar, at codon 784 of the CTC1 protein (p.Pro784Ser). In summary, the available evidence is currently insufficient to determine the role of this variant in disease. Therefore, it has been classified as a Variant of Uncertain Significance.

Ambry Genetics
Classification: Uncertain significance for Inborn genetic diseases. Last evaluated: 2021-03-16. Review status: criteria provided, single submitter. Criteria: Ambry Variant Classification Scheme 2023. Collection method: clinical testing. Allele origin: germline.
Comment: The c.2350C>T (p.P784S) alteration is located in exon 13 (coding exon 13) of the CTC1 gene. This alteration results from a C to T substitution at nucleotide position 2350, causing the proline (P) at amino acid position 784 to be replaced by a serine (S). The p.P784S alteration is predicted to be tolerated by in silico analysis. Based on insufficient or conflicting evidence, the clinical significance of this alteration remains unclear.

NM_025099.6(CTC1):c.2350C>T (p.Pro784Ser)

Gene: CTC1 (CST telomere replication complex component 1; minus strand). Cytogenetic location: 17p13.1.
Variant type: single nucleotide variant.
Coding change: c.2350C>T on transcript NM_025099.6 (MANE Select); coding-DNA position 2350, C replaced by T.
Protein change: p.Pro784Ser; replaces proline 784 with serine.
Molecular consequence: missense variant. On other transcripts: non-coding transcript variant (1).
Genome position (GRCh38, 1-based): chr17:8,231,938, G>A on the plus strand (C>T on the coding strand, the complement: CTC1 is on the minus strand). VCF-style: chr17-8231938-G-A. GRCh37 (hg19) VCF-style: chr17-8135256-G-A.
Other names: c.2350C>T, p.Pro784Ser (NM_001411067.1); short protein forms P784S.
Identifiers: ClinVar variation 2229516 (VCV002229516.5), dbSNP rs1163318612, ClinGen allele CA397977308.